The following is an entry in ClinVar:

ClinVar aggregate classification (germline): Uncertain significance (1 of 4 stars; one submission).

Conditions:
Hereditary spastic paraplegia 39 (SPG39). Also called: Spastic Paraplegia Type 39 (SPG39); SPASTIC PARAPLEGIA 39, AUTOSOMAL RECESSIVE. Identifiers: Orphanet 139480, MedGen C2677586, MONDO:0012787, OMIM 612020.

Submission:

Labcorp Genetics (formerly Invitae), Labcorp
Classification: Uncertain significance for Hereditary spastic paraplegia 39. Last evaluated: 2019-10-02. Review status: criteria provided, single submitter. Criteria: Invitae Variant Classification Sherloc (09022015). Collection method: clinical testing. Allele origin: germline.
Comment: In summary, the available evidence is currently insufficient to determine the role of this variant in disease. Therefore, it has been classified as a Variant of Uncertain Significance. Algorithms developed to predict the effect of missense changes on protein structure and function are either unavailable or do not agree on the potential impact of this missense change (SIFT: "Tolerated"; PolyPhen-2: "Probably Damaging"; Align-GVGD: "Class C0"). This variant has not been reported in the literature in individuals with PNPLA6-related conditions. This variant is not present in population databases (ExAC no frequency). This sequence change replaces glycine with arginine at codon 18 of the PNPLA6 protein (p.Gly18Arg). The glycine residue is moderately conserved and there is a moderate physicochemical difference between glycine and arginine.

NM_001166114.2(PNPLA6):c.169G>C (p.Gly57Arg)

Gene: PNPLA6 (patatin like domain 6, lysophospholipase; plus strand). Cytogenetic location: 19p13.2.
Variant type: single nucleotide variant.
Coding change: c.169G>C on transcript NM_001166114.2 (MANE Select); coding-DNA position 169, G replaced by C.
Protein change: p.Gly57Arg; replaces glycine 57 with arginine.
Molecular consequence: missense variant.
Genome position (GRCh38, 1-based): chr19:7,535,957, G>C. VCF-style: chr19-7535957-G-C. GRCh37 (hg19) VCF-style: chr19-7600843-G-C.
Other names: c.196G>C, p.Gly66Arg (NM_001166111.2); c.52G>C, p.Gly18Arg (NM_001166112.2, NM_001166113.1, NM_006702.5); short protein forms G66R, G18R, G57R.
Identifiers: ClinVar variation 937022 (VCV000937022.9), dbSNP rs867376735, ClinGen allele CA403096269.
Genomic context (GRCh38, chr19:7,535,957, plus strand): 5'-ATTTGCGGTGCGCAGCCAGTGCCGTTCGTCCCTCAGGTGCTTGGCGTGATGATCGGGGCC[G>C]GAGTGGCGGTGGTGGTCACGGCCGTGCTCATCCTCCTGGTGGTGCGGAGGCTGCGAGTGC-3'
Protein context (NP_001159586.1, residues 47-67): PQVLGVMIGA[Gly57Arg]VAVVVTAVLI